The following is an entry in ClinVar:

NM_023110.3(FGFR1):c.1595T>C (p.Met532Thr)

Gene: FGFR1 (fibroblast growth factor receptor 1; minus strand). Cytogenetic location: 8p11.23.
Variant type: single nucleotide variant.
Coding change: c.1595T>C on transcript NM_023110.3 (MANE Select); coding-DNA position 1595, T replaced by C.
Protein change: p.Met532Thr; replaces methionine 532 with threonine.
Molecular consequence: missense variant.
Genome position (GRCh38, 1-based): chr8:38,417,374, A>G on the plus strand (T>C on the coding strand, the complement: FGFR1 is on the minus strand). VCF-style: chr8-38417374-A-G. GRCh37 (hg19) VCF-style: chr8-38274892-A-G.
Other names: c.1589T>C, p.Met530Thr (NM_001174063.2, NM_001174065.2, NM_001354367.2 and 1 more transcripts); c.1565T>C, p.Met522Thr (NM_001174064.2); c.1328T>C, p.Met443Thr (NM_001174066.2, NM_023105.3); c.1688T>C, p.Met563Thr (NM_001174067.2); c.1316T>C, p.Met439Thr (NM_001354368.2); c.1583T>C, p.Met528Thr (NM_001354369.2); c.1322T>C, p.Met441Thr (NM_001354370.2, NM_023106.3); short protein forms M532T, M439T, M441T, M563T, M443T, M528T, M530T, M522T.
Identifiers: ClinVar variation 421930 (VCV000421930.7), dbSNP rs777345476, ClinGen allele CA4718332.

ClinVar aggregate classification (germline): Conflicting classifications of pathogenicity. Review status: criteria provided, conflicting classifications (1 of 4 stars). 4 submissions from 4 submitters: Likely pathogenic (1); Uncertain significance (2); Likely benign (1). Last evaluated 2026-01-07.

Conditions:
Encephalocraniocutaneous lipomatosis (ECCL). Identifiers: Orphanet 2396, MedGen C0406612, MONDO:0013074, OMIM 613001.
Hypogonadotropic hypogonadism 2 with or without anosmia (HH2). Also called: HYPOGONADOTROPIC HYPOGONADISM 2 WITHOUT ANOSMIA; HYPOGONADOTROPIC HYPOGONADISM 2 WITHOUT ANOSMIA, SUSCEPTIBILITY TO; FGFR1-Related GnRH Deficiency (Kallmann Syndrome 2); HYPOGONADOTROPIC HYPOGONADISM 2 WITH OR WITHOUT ANOSMIA, SUSCEPTIBILITY TO. Identifiers: Orphanet 478, MedGen C1563720, MONDO:0007844, OMIM 147950. Disease mechanism: loss of function.
Hartsfield-Bixler-Demyer syndrome (HRTFDS). Also called: Holoprosencephaly, ectrodactyly, and bilateral cleft lip/palate; FGFR1-Related Hartsfield Syndrome; Hartsfield syndrome. Identifiers: Orphanet 2117, MedGen C1845146, MONDO:0014196, OMIM 615465. Disease mechanism: loss of function.
Jackson-Weiss syndrome (JWS). Also called: CRANIOSYNOSTOSIS, MIDFACIAL HYPOPLASIA, AND FOOT ABNORMALITIES. Identifiers: Orphanet 1540, MedGen C0795998, MONDO:0007400, OMIM 123150. Disease mechanism: loss of function.
Trigonocephaly 1 (TRIGNO1). Identifiers: Orphanet 3366, MedGen C0432122, MONDO:0008603, OMIM 190440.
Pfeiffer syndrome (ACS5). Also called: ACS V. Identifiers: Orphanet 710, MedGen C0220658, MONDO:0007043, OMIM 101600.
Osteoglophonic dysplasia (OGD). Also called: Osteoglophonic dwarfism. Identifiers: Orphanet 2645, MedGen C0432283, MONDO:0008150, OMIM 166250.

Allele frequency attached by ClinVar (database versions not stated): TOPMed below 0.00001; ExAC 0.00002; gnomAD exomes 0.00003.

Submissions (4):

Labcorp Genetics (formerly Invitae), Labcorp
Classification: Uncertain significance for Pfeiffer syndrome; Hypogonadotropic hypogonadism 2 with or without anosmia. Last evaluated: 2026-01-07. Review status: criteria provided, single submitter. Criteria: Invitae Variant Classification Sherloc (09022015). Collection method: clinical testing. Allele origin: germline.
Comment: This sequence change replaces methionine, which is neutral and non-polar, with threonine, which is neutral and polar, at codon 532 of the FGFR1 protein (p.Met532Thr). This variant is present in population databases (rs777345476, gnomAD 0.006%). This missense change has been observed in individual(s) with FGFR1-related conditions (PMID: 22319038). ClinVar contains an entry for this variant (Variation ID: 421930). Invitae Evidence Modeling of protein sequence and biophysical properties (such as structural, functional, and spatial information, amino acid conservation, physicochemical variation, residue mobility, and thermodynamic stability) indicates that this missense variant is expected to disrupt FGFR1 protein function with a positive predictive value of 80%. Experimental studies have shown that this missense change affects FGFR1 function (PMID: 22319038). In summary, the available evidence is currently insufficient to determine the role of this variant in disease. Therefore, it has been classified as a Variant of Uncertain Significance.

Women's Health and Genetics/Laboratory Corporation of America, LabCorp
Classification: Uncertain significance. Last evaluated: 2025-10-13. Review status: criteria provided, single submitter. Criteria: LabCorp Variant Classification Summary - May 2015. Collection method: clinical testing. Allele origin: germline.
Comment: Variant summary: FGFR1 c.1595T>C (p.Met532Thr) results in a non-conservative amino acid change in the encoded protein sequence. Algorithms developed to predict the effect of missense changes on protein structure and function all suggest that this variant is likely to be disruptive. The variant allele was found at a frequency of 3.2e-05 in 250054 control chromosomes (gnomAD). The available data on variant occurrences in the general population are insufficient to allow any conclusion about variant significance. c.1595T>C has been observed in one individual affected with FGFR1-Related Disorders (Raivio_2012). The report does not provide unequivocal conclusions about association of the variant with FGFR1-Related Disorders. At least one publication reports experimental evidence evaluating an impact on protein function and this variant affected the FGFR1 protein function (Raivio_2012). The following publication have been ascertained in the context of this evaluation (PMID: 22319038). ClinVar contains an entry for this variant (Variation ID: 421930). Based on the evidence outlined above, the variant was classified as uncertain significance.

Fulgent Genetics
Classification: Likely benign for Pfeiffer syndrome; Jackson-Weiss syndrome; Hypogonadotropic hypogonadism 2 with or without anosmia; Osteoglophonic dysplasia; Trigonocephaly 1; Encephalocraniocutaneous lipomatosis; Hartsfield-Bixler-Demyer syndrome. Last evaluated: 2024-05-28. Review status: criteria provided, single submitter. Criteria: ACMG Guidelines, 2015. Collection method: clinical testing. Allele origin: germline.

GeneDx
Classification: Likely pathogenic. Last evaluated: 2016-08-02. Review status: criteria provided, single submitter. Criteria: GeneDx Variant Classification (06012015). Collection method: clinical testing. Allele origin: germline. Affected: yes.
Comment: The M532T variant in the FGFR1 gene has been reported previously in a patient with combined pituitary hormone deficiency (Raivio et al., 2012). It was not observed in approximately 6,400 individuals of European and African American ancestry in the NHLBI Exome Sequencing Project, indicating it is not a common benign variant in these populations. It is a non-conservative amino acid substitution, which is likely to impact secondary protein structure as these residues differ in polarity, charge, size and/or other properties. This substitution occurs at a position that is conserved across species and in silico analysis predicts this variant is probably damaging to the protein structure/function. Although, functional studies of the FGFR1 variant have shown that it results in an increase of ligand-dependent signaling, it remains unclear whether this increase corresponds to the phenotype in the individual (Raivio et al., 2012). Therefore, this variant is likely pathogenic; however, the possibility that it is benign cannot be excluded.

Literature cited by the submitters: PubMed 22319038 (cited by Labcorp Genetics (formerly Invitae), Labcorp and Women's Health and Genetics/Laboratory Corporation of America, LabCorp).